The following is an entry in ClinVar:

ClinVar aggregate classification (germline): Pathogenic (1 of 4 stars; one submission).

Conditions:
Microcephaly with or without chorioretinopathy, lymphedema, or impaired intellectual development. Also called: MICROCEPHALY AND CHORIORETINOPATHY WITH OR WITHOUT MENTAL RETARDATION, AUTOSOMAL DOMINANT; MICROCEPHALY, LYMPHEDEMA, CHORIORETINAL DYSPLASIA SYNDROME; Microcephaly lymphedema chorioretinal dysplasia; Microcephaly with or without chorioretinopathy, lymphedema, or mental retardation; Microcephaly with or without chorioretinopathy, lymphedema, or intellectual disability. Identifiers: Orphanet 2526, MedGen C1835265, MONDO:0007918, OMIM 152950.

Submission:

Juno Genomics, Hangzhou Juno Genomics, Inc
Classification: Pathogenic for Microcephaly with or without chorioretinopathy, lymphedema, or impaired intellectual development. Review status: criteria provided, single submitter. Criteria: ACMG Guidelines, 2015. Collection method: clinical testing. Allele origin: germline. Affected: yes.
Comment: Absent from controls (or at extremely low frequency if recessive) in Genome Aggregation Database, Exome Sequencing Project, 1000 Genomes Project, or Exome Aggregation Consortium.;Null variant in a gene where loss of function (LOF) is a known mechanism of disease.;Assumed de novo, but without confirmation of paternity and maternity.

NM_004523.4(KIF11):c.634C>T (p.Gln212Ter)

Gene: KIF11 (kinesin family member 11; plus strand). Cytogenetic location: 10q23.33.
Variant type: single nucleotide variant.
Coding change: c.634C>T on transcript NM_004523.4 (MANE Select); coding-DNA position 634, C replaced by T.
Protein change: p.Gln212Ter; replaces glutamine 212 with a stop codon.
Molecular consequence: nonsense.
Genome position (GRCh38, 1-based): chr10:92,609,445, C>T. VCF-style: chr10-92609445-C-T. GRCh37 (hg19) VCF-style: chr10-94369202-C-T.
Other names: short protein forms Q212*.
Identifiers: ClinVar variation 3382091 (VCV003382091.2).